The following is an entry in ClinVar:

NM_006218.4(PIK3CA):c.1408A>T (p.Thr470Ser)

Gene: PIK3CA (phosphatidylinositol-4,5-bisphosphate 3-kinase catalytic subunit alpha; plus strand). Cytogenetic location: 3q26.32.
Variant type: single nucleotide variant.
Coding change: c.1408A>T on transcript NM_006218.4 (MANE Select); coding-DNA position 1408, A replaced by T.
Protein change: p.Thr470Ser; replaces threonine 470 with serine.
Molecular consequence: missense variant.
Genome position (GRCh38, 1-based): chr3:179,210,434, A>T. VCF-style: chr3-179210434-A-T. GRCh37 (hg19) VCF-style: chr3-178928222-A-T.
Other names: short protein forms T470S.
Identifiers: ClinVar variation 1771951 (VCV001771951.2), dbSNP rs769406397, ClinGen allele CA2710721.

ClinVar aggregate classification (germline): Uncertain significance (1 of 4 stars; one submission).

Conditions:
Inborn genetic diseases. Identifiers: MedGen C0950123, MeSH D030342.

Allele frequency attached by ClinVar (database versions not stated): ExAC 0.00001; gnomAD exomes 0.00001.
gnomAD v4.1: 3 of 1,611,740 alleles (0.00019%); highest among the groups gnomAD compares: South Asian, 0.0033%; no homozygotes.

Submission:

Ambry Genetics
Classification: Uncertain significance for Inborn genetic diseases. Last evaluated: 2022-09-30. Review status: criteria provided, single submitter. Criteria: Ambry Variant Classification Scheme 2023. Collection method: clinical testing. Allele origin: germline.
Comment: The p.T470S variant (also known as c.1408A>T), located in coding exon 8 of the PIK3CA gene, results from an A to T substitution at nucleotide position 1408. The threonine at codon 470 is replaced by serine, an amino acid with similar properties. This amino acid position is conserved. In addition, the in silico prediction for this alteration is inconclusive. Since supporting evidence is limited at this time, the clinical significance of this alteration remains unclear.